The following is an entry in ClinVar:

ClinVar aggregate classification (germline): Uncertain significance. Review status: criteria provided, multiple submitters, no conflicts (2 of 4 stars). 2 submissions from 2 submitters: Uncertain significance (2). Last evaluated 2023-11-27.

Allele frequency attached by ClinVar (database versions not stated): TOPMed 0.00003; ESP Exome Variant Server 0.00008; ExAC 0.00001; gnomAD exomes 0.00001 and 0.00003; gnomAD 0.00003.
gnomAD v4.1: 53 of 1,590,630 alleles (0.0033%); highest among the groups gnomAD compares: Non-Finnish European, 0.0044%; no homozygotes.

Submissions (2):

Labcorp Genetics (formerly Invitae), Labcorp
Classification: Uncertain significance. Last evaluated: 2023-11-27. Review status: criteria provided, single submitter. Criteria: Invitae Variant Classification Sherloc (09022015). Collection method: clinical testing. Allele origin: germline.
Comment: This sequence change falls in intron 4 of the RINT1 gene. It does not directly change the encoded amino acid sequence of the RINT1 protein. It affects a nucleotide within the consensus splice site. This variant is present in population databases (rs371696665, gnomAD 0.003%). This variant has not been reported in the literature in individuals affected with RINT1-related conditions. ClinVar contains an entry for this variant (Variation ID: 410810). Variants that disrupt the consensus splice site are a relatively common cause of aberrant splicing (PMID: 17576681, 9536098). Algorithms developed to predict the effect of sequence changes on RNA splicing suggest that this variant is not likely to affect RNA splicing. In summary, the available evidence is currently insufficient to determine the role of this variant in disease. Therefore, it has been classified as a Variant of Uncertain Significance.

Ambry Genetics
Classification: Uncertain significance. Last evaluated: 2023-08-07. Review status: criteria provided, single submitter. Criteria: Ambry Variant Classification Scheme 2023. Collection method: clinical testing. Allele origin: germline.
Comment: The c.516-3C>T intronic variant results from a C to T substitution 3 nucleotides upstream from coding exon 5 in the RINT1 gene. This nucleotide position is well conserved in available vertebrate species. In silico splice site analysis for this alteration is inconclusive. The evidence for this gene-disease relationship is limited; therefore, the clinical significance of this alteration is unclear.

Literature cited by the submitters: PubMed 17576681 (cited by Labcorp Genetics (formerly Invitae), Labcorp); PubMed 9536098 (cited by Labcorp Genetics (formerly Invitae), Labcorp).

NM_021930.6(RINT1):c.516-3C>T

Gene: RINT1 (RAD50 interactor 1; plus strand). Cytogenetic location: 7q22.3.
Variant type: single nucleotide variant.
Coding change: c.516-3C>T on transcript NM_021930.6 (MANE Select); 3 bases into the intron before coding-DNA position 516, C replaced by T.
Molecular consequence: intron variant.
Genome position (GRCh38, 1-based): chr7:105,546,907, C>T. VCF-style: chr7-105546907-C-T. GRCh37 (hg19) VCF-style: chr7-105187354-C-T.
Other names: c.-504-3C>T (NM_001346600.2); c.-407-3C>T (NM_001346601.2); c.-27-3148C>T (NM_001346603.2); c.282-3C>T (NM_001346599.2).
Identifiers: ClinVar variation 410810 (VCV000410810.12), dbSNP rs371696665, ClinGen allele CA4426457.